The following is an entry in ClinVar:

NM_005902.4(SMAD3):c.714C>A (p.Tyr238Ter)

Gene: SMAD3 (SMAD family member 3; plus strand). Cytogenetic location: 15q22.33.
Variant type: single nucleotide variant.
Coding change: c.714C>A on transcript NM_005902.4 (MANE Select); coding-DNA position 714, C replaced by A.
Protein change: p.Tyr238Ter; replaces tyrosine 238 with a stop codon.
Molecular consequence: nonsense.
Genome position (GRCh38, 1-based): chr15:67,181,296, C>A. VCF-style: chr15-67181296-C-A. GRCh37 (hg19) VCF-style: chr15-67473634-C-A.
Other names: c.399C>A, p.Tyr133Ter (NM_001145102.2, NM_001407016.1); c.582C>A, p.Tyr194Ter (NM_001145103.2, NM_001407012.1); c.129C>A, p.Tyr43Ter (NM_001145104.2, NM_001407017.1); c.714C>A, p.Tyr238Ter (NM_001407011.1, NM_001407013.1); c.567C>A, p.Tyr189Ter (NM_001407014.1); c.267C>A, p.Tyr89Ter (NM_001407015.1); short protein forms Y238*, Y89*, Y189*, Y43*, Y133*, Y194*.
Identifiers: ClinVar variation 2090592 (VCV002090592.4), dbSNP rs149443777, ClinGen allele CA392956013.

ClinVar aggregate classification (germline): Pathogenic (1 of 4 stars; one submission).

Conditions:
Familial thoracic aortic aneurysm and aortic dissection (TAAD). Also called: Thoracic aortic aneurysms and dissections. Identifiers: Orphanet 91387, MedGen C4707243, MONDO:0019625.

Submission:

Labcorp Genetics (formerly Invitae), Labcorp
Classification: Pathogenic for Familial thoracic aortic aneurysm and aortic dissection. Last evaluated: 2025-11-04. Review status: criteria provided, single submitter. Criteria: Invitae Variant Classification Sherloc (09022015). Collection method: clinical testing. Allele origin: germline.
Comment: This sequence change creates a premature translational stop signal (p.Tyr238*) in the SMAD3 gene. It is expected to result in an absent or disrupted protein product. Loss-of-function variants in SMAD3 are known to be pathogenic (PMID: 21778426, 24804794). This variant is not present in population databases (gnomAD no frequency). This variant has not been reported in the literature in individuals affected with SMAD3-related conditions. ClinVar contains an entry for this variant (Variation ID: 2090592). For these reasons, this variant has been classified as Pathogenic.

Literature cited by the submitters: PubMed 21778426; PubMed 24804794.